The following is an entry in ClinVar:

ClinVar aggregate classification (germline): Likely pathogenic (0 of 4 stars; one submission).

Conditions:
RERE-related disorder. Also called: RERE-Related Disorders; RERE-related condition. Identifiers: MedGen CN381537.

Submission:

PreventionGenetics, part of Exact Sciences
Classification: Likely pathogenic for RERE-related condition. Last evaluated: 2024-06-18. Review status: no assertion criteria provided. Collection method: clinical testing. Allele origin: germline.
Comment: The RERE c.2754_2767del14 variant is predicted to result in a frameshift and premature protein termination (p.Pro919Glyfs*179). To our knowledge, this variant has not been reported in the literature or in a large population database, indicating this variant is rare. Frameshift variants in RERE are expected to be pathogenic. This variant is interpreted as likely pathogenic.

NM_001042681.2(RERE):c.2754_2767del (p.Pro919fs)

Gene: RERE (arginine-glutamic acid dipeptide repeats; minus strand). Cytogenetic location: 1p36.23.
Variant type: Deletion.
Coding change: c.2754_2767del on transcript NM_001042681.2 (MANE Select); coding-DNA positions 2754 to 2767, 14 bases deleted (GCCACCAGCGCCCT).
Protein change: p.Pro919fs; shifts the reading frame from proline 919.
Molecular consequence: frameshift variant.
Genome position (GRCh38, 1-based): chr1:8,360,740-8,360,753, AGGGCGCTGGTGGC deleted on the plus strand (GCCACCAGCGCCCT on the coding strand, the reverse complement: RERE is on the minus strand); deleting any 14 consecutive bases within chr1:8,360,740-8,360,757 gives the same sequence; the c. name uses the placement nearest the transcript's 3' end. VCF-style (leftmost placement, unchanged base first): chr1-8360739-AAGGGCGCTGGTGGC-A. GRCh37 (hg19) VCF-style: chr1-8420799-AAGGGCGCTGGTGGC-A.
Other names: c.1092_1105del, p.Pro365fs (NM_001042682.2); c.2754_2767del, p.Pro919fs (NM_012102.4); short protein forms P365fs, P919fs.
Identifiers: ClinVar variation 3346779 (VCV003346779.1).